The following is an entry in ClinVar:

ClinVar aggregate classification (germline): Pathogenic. Review status: criteria provided, multiple submitters, no conflicts (2 of 4 stars). 2 submissions from 2 submitters: Pathogenic (2). Last evaluated 2026-02-19.

Conditions:
Retinoblastoma (RB1). Also called: RETINOBLASTOMA, SOMATIC. Identifiers: Orphanet 790, MedGen C0035335, MeSH D012175, MONDO:0008380, OMIM 180200, HP:0009919. Disease mechanism: loss of function. Inheritance: Both sporadic and heritable forms are tested..
Hereditary cancer-predisposing syndrome. Also called: Neoplastic Syndromes, Hereditary; Tumor predisposition; Hereditary Cancer Syndrome; Hereditary neoplastic syndrome. Identifiers: Orphanet 140162, MedGen C0027672, MeSH D009386, MONDO:0015356.

Submissions (2):

Ambry Genetics
Classification: Pathogenic for Hereditary cancer-predisposing syndrome. Last evaluated: 2026-02-19. Review status: criteria provided, single submitter. Criteria: Ambry Variant Classification Scheme 2023. Collection method: clinical testing. Allele origin: germline.
Comment: The c.1446dupT pathogenic mutation, located in coding exon 16 of the RB1 gene, results from a duplication of T at nucleotide position 1446, causing a translational frameshift with a predicted alternate stop codon (p.H483Sfs*10). This variant was reported in individual(s) with features consistent with RB1-related retinoblastoma (Ambry internal data). This variant is expected to result in loss of function by premature protein truncation or nonsense-mediated mRNA decay. This variant is considered to be rare based on population cohorts in the Genome Aggregation Database (gnomAD). As such, this variant is interpreted as a disease-causing mutation.

Labcorp Genetics (formerly Invitae), Labcorp
Classification: Pathogenic for Retinoblastoma. Last evaluated: 2025-03-12. Review status: criteria provided, single submitter. Criteria: Invitae Variant Classification Sherloc (09022015). Collection method: clinical testing. Allele origin: germline.
Comment: This sequence change creates a premature translational stop signal (p.His483Serfs*10) in the RB1 gene. It is expected to result in an absent or disrupted protein product. Loss-of-function variants in RB1 are known to be pathogenic (PMID: 17096365). This variant is not present in population databases (gnomAD no frequency). This premature translational stop signal has been observed in individual(s) with retinoblastoma (PMID: 27712844). Algorithms developed to predict the effect of sequence changes on RNA splicing suggest that this variant may disrupt the consensus splice site. For these reasons, this variant has been classified as Pathogenic.

Literature cited by the submitters: PubMed 17096365 (cited by Labcorp Genetics (formerly Invitae), Labcorp); PubMed 27712844 (cited by Labcorp Genetics (formerly Invitae), Labcorp).

NM_000321.3(RB1):c.1446dup (p.His483fs)

Gene: RB1 (RB transcriptional corepressor 1; plus strand). Cytogenetic location: 13q14.2.
Variant type: Duplication.
Coding change: c.1446dup on transcript NM_000321.3 (MANE Select); coding-DNA position 1446, one base duplicated (T; older notation c.1446dupT).
Protein change: p.His483fs; shifts the reading frame from histidine 483.
Molecular consequence: frameshift variant.
Genome position (GRCh38, 1-based): chr13:48,380,189, T duplicated; the last of 5 consecutive T bases (chr13:48,380,185-48,380,189); duplicating any one gives the same sequence. VCF-style (leftmost placement, unchanged base first): chr13-48380184-A-AT. GRCh37 (hg19) VCF-style: chr13-48954320-A-AT.
Other names: c.1446dupT (NM_000321.2); c.1446dup, p.His483fs (NM_001407165.1, NM_001407166.1); short protein forms H483fs.
Identifiers: ClinVar variation 4710092 (VCV004710092.2).
Genomic context (GRCh38, chr13:48,380,184, plus strand): 5'-ATAGAAGTAAGTATTTTATAATCTTTTTTTTTTTCCTTTAGCAAACTTCTGAATGACAAC[A>AT]TTTTTCATATGTCTTTATTGGCGTGCGCTCTTGAGGTTGTAATGGCCACATATAGCAGTA-3'